The following is an entry in ClinVar:

NM_020964.3(EPG5):c.4700A>G (p.Asp1567Gly)

Gene: EPG5 (ectopic P-granules 5 autophagy tethering factor; minus strand). Cytogenetic location: 18q12.3.
Variant type: single nucleotide variant.
Coding change: c.4700A>G on transcript NM_020964.3 (MANE Select); coding-DNA position 4700, A replaced by G.
Protein change: p.Asp1567Gly; replaces aspartic acid 1567 with glycine.
Molecular consequence: missense variant.
Genome position (GRCh38, 1-based): chr18:45,899,513, T>C on the plus strand (A>G on the coding strand, the complement: EPG5 is on the minus strand). VCF-style: chr18-45899513-T-C. GRCh37 (hg19) VCF-style: chr18-43479478-T-C.
Other names: short protein forms D1567G.
Identifiers: ClinVar variation 1474840 (VCV001474840.6), dbSNP rs2145576239, ClinGen allele CA402336986.

ClinVar aggregate classification (germline): Uncertain significance (1 of 4 stars; one submission).

Conditions:
Vici syndrome (VICIS). Identifiers: Orphanet 1493, MedGen C1855772, MONDO:0009452, OMIM 242840.

Submission:

Labcorp Genetics (formerly Invitae), Labcorp
Classification: Uncertain significance for Vici syndrome. Last evaluated: 2021-09-14. Review status: criteria provided, single submitter. Criteria: Invitae Variant Classification Sherloc (09022015). Collection method: clinical testing. Allele origin: germline.
Comment: This sequence change replaces aspartic acid with glycine at codon 1567 of the EPG5 protein (p.Asp1567Gly). The aspartic acid residue is moderately conserved and there is a moderate physicochemical difference between aspartic acid and glycine. This variant is not present in population databases (ExAC no frequency). This variant has not been reported in the literature in individuals affected with EPG5-related conditions. Algorithms developed to predict the effect of missense changes on protein structure and function are either unavailable or do not agree on the potential impact of this missense change (SIFT: "Deleterious"; PolyPhen-2: "Benign"; Align-GVGD: "Class C0"). In summary, the available evidence is currently insufficient to determine the role of this variant in disease. Therefore, it has been classified as a Variant of Uncertain Significance.